The following is an entry in ClinVar:

NM_001923.5(DDB1):c.2140A>G (p.Thr714Ala)

Gene: DDB1 (damage specific DNA binding protein 1; minus strand). Cytogenetic location: 11q12.2.
Variant type: single nucleotide variant.
Coding change: c.2140A>G on transcript NM_001923.5 (MANE Select); coding-DNA position 2140, A replaced by G.
Protein change: p.Thr714Ala; replaces threonine 714 with alanine.
Molecular consequence: missense variant.
Genome position (GRCh38, 1-based): chr11:61,312,014, T>C on the plus strand (A>G on the coding strand, the complement: DDB1 is on the minus strand). VCF-style: chr11-61312014-T-C. GRCh37 (hg19) VCF-style: chr11-61079486-T-C.
Other names: short protein forms T714A.
Identifiers: ClinVar variation 4849084 (VCV004849084.1).

ClinVar aggregate classification (germline): Uncertain significance (1 of 4 stars; one submission).

gnomAD v4.1: 6 of 1,614,214 alleles (0.00037%); highest among the groups gnomAD compares: Non-Finnish European, 0.00051%; no homozygotes.

Submission:

Women's Health and Genetics/Laboratory Corporation of America, LabCorp
Classification: Uncertain significance. Last evaluated: 2026-04-27. Review status: criteria provided, single submitter. Criteria: LabCorp Variant Classification Summary - May 2015. Collection method: clinical testing. Allele origin: germline.
Comment: Variant summary: DDB1 c.2140A>G (p.Thr714Ala) results in a non-conservative amino acid change in the encoded protein sequence. Algorithms developed to predict the effect of missense changes on protein structure and function are either unavailable or do not agree on the potential impact of this missense change. The variant was absent in 251454 control chromosomes. The available data on variant occurrences in the general population are insufficient to allow any conclusion about variant significance. To our knowledge, no occurrence of c.2140A>G in individuals affected with DDB1-related conditions and no experimental evidence demonstrating its impact on protein function have been reported. No submitters have cited clinical-significance assessments for this variant to ClinVar. Based on the evidence outlined above, the variant was classified as uncertain significance.